The following is an entry in ClinVar:

NM_152559.3(METTL27):c.389-13CA[7]

Gene: METTL27 (methyltransferase like 27; minus strand). Cytogenetic location: 7q11.23.
Variant type: Microsatellite.
Coding change: c.389-13CA[7] on transcript NM_152559.3 (MANE Select); seven copies in a row of the 2-base unit CA starting at c.389-13; the reference has six copies in a row; one copy, 2 bases duplicated.
Molecular consequence: splice acceptor variant.
Genome position (GRCh38, 1-based): chr7:73,840,122-73,840,123, TG duplicated on the plus strand (CA on the coding strand, the reverse complement: METTL27 is on the minus strand); duplicating any 2 consecutive bases within chr7:73,840,122-73,840,133 gives the same sequence; the position shown is the placement nearest the transcript's 3' end. VCF-style (leftmost placement, unchanged base first): chr7-73840121-C-CTG. GRCh37 (hg19) VCF-style: chr7-73254451-C-CTG.
Other names: NM_152559.2:c.389-3_389-2dupCA.
Identifiers: ClinVar variation 403605 (VCV000403605.4), dbSNP rs375025208, ClinGen allele CA4291707.
Genomic context (GRCh38, chr7:73,840,121, plus strand): 5'-CATTGCAGGGCACCTGGCCGTCACTGAGGGCACCGACTATCAGCACCGCGTCGAAGGTCC[C>CTG]TGTGTGTGTGTGGGGGGGGGTGGGGACATGGTGTGATGCTTGGAAGGTACTTTGTCTATG-3'

ClinVar aggregate classification (germline): Likely benign (1 of 4 stars; one submission).

Submission:

Laboratory for Molecular Medicine, Mass General Brigham Personalized Medicine
Classification: Likely benign. Last evaluated: 2016-03-29. Review status: criteria provided, single submitter. Criteria: LMM Criteria. Collection method: clinical testing. Allele origin: germline.
Comment: Variant identified in a genome or exome case(s) and assessed due to predicted null impact of the variant or pathogenic assertions in the literature or databases. Disclaimer: This variant has not undergone full assessment. The following are preliminary notes: Not reported. No information available. Gene not associated to pt disease.